The following is an entry in ClinVar:

ClinVar aggregate classification (germline): Uncertain significance (1 of 4 stars; one submission).

Conditions:
Infantile-onset X-linked spinal muscular atrophy. Also called: Spinal muscular atrophy, X-linked 2; AMC, DISTAL, X-LINKED; ARTHROGRYPOSIS, X-LINKED, TYPE I; SPINAL MUSCULAR ATROPHY, X-LINKED LETHAL INFANTILE; Spinal Muscular Atrophy, X-Linked Infantile. Identifiers: Orphanet 1145, MedGen C1844934, MONDO:0010532, OMIM 301830.

Allele frequency attached by ClinVar (database versions not stated): gnomAD exomes below 0.00001; TOPMed 0.00001.
gnomAD v4.1: 2 of 1,209,704 alleles (0.00017%); highest among the groups gnomAD compares: East Asian, 0.0059%; no homozygotes.

Submission:

Labcorp Genetics (formerly Invitae), Labcorp
Classification: Uncertain significance for Infantile-onset X-linked spinal muscular atrophy. Last evaluated: 2023-08-18. Review status: criteria provided, single submitter. Criteria: Invitae Variant Classification Sherloc (09022015). Collection method: clinical testing. Allele origin: germline.
Comment: An algorithm developed to predict the effect of missense changes on protein structure and function (PolyPhen-2) suggests that this variant is likely to be tolerated. In summary, the available evidence is currently insufficient to determine the role of this variant in disease. Therefore, it has been classified as a Variant of Uncertain Significance. ClinVar contains an entry for this variant (Variation ID: 1345058). This variant has not been reported in the literature in individuals affected with UBA1-related conditions. This variant is not present in population databases (gnomAD no frequency). This sequence change replaces valine, which is neutral and non-polar, with isoleucine, which is neutral and non-polar, at codon 292 of the UBA1 protein (p.Val292Ile).

NM_003334.4(UBA1):c.874G>A (p.Val292Ile)

Gene: UBA1 (ubiquitin like modifier activating enzyme 1; plus strand). Cytogenetic location: Xp11.3.
Variant type: single nucleotide variant.
Coding change: c.874G>A on transcript NM_003334.4 (MANE Select); coding-DNA position 874, G replaced by A.
Protein change: p.Val292Ile; replaces valine 292 with isoleucine.
Molecular consequence: missense variant.
Genome position (GRCh38, 1-based): chrX:47,202,218, G>A. VCF-style: chrX-47202218-G-A. GRCh37 (hg19) VCF-style: chrX-47061617-G-A.
Other names: c.874G>A, p.Val292Ile (NM_153280.3); short protein forms V292I.
Identifiers: ClinVar variation 1345058 (VCV001345058.8), dbSNP rs1301756527, ClinGen allele CA412794710.
Genomic context (GRCh38, chrX:47,202,218, plus strand): 5'-CCTTATACCTTTAGCATCTGTGACACCTCCAACTTCTCCGACTACATCCGTGGAGGCATC[G>A]TCAGTCAGGTCAAAGTACCTAAGAAGATTAGCTTTGTGAGTGTGTCGATGGGATCAGTGG-3'
Protein context (NP_003325.2, residues 282-302): NFSDYIRGGI[Val292Ile]SQVKVPKKIS